The following is an entry in ClinVar:

ClinVar aggregate classification (germline): Likely benign. Review status: criteria provided, multiple submitters, no conflicts (2 of 4 stars). 2 submissions from 2 submitters: Likely benign (2). Last evaluated 2025-11-22.

Conditions:
Farber lipogranulomatosis (FRBRL). Also called: Farber's lipogranulomatosis; Farber's disease; Farber disease; AC DEFICIENCY; ACID CERAMIDASE DEFICIENCY; CERAMIDASE DEFICIENCY. Identifiers: Orphanet 333, MedGen C0268255, MONDO:0009218, OMIM 228000.

Allele frequency attached by ClinVar (database versions not stated): gnomAD 0.00016 and 0.00036; TOPMed 0.00037; ExAC 0.00044; 1000 Genomes Project 30x 0.00187; 1000 Genomes Project 0.00220.
gnomAD v4.1: 624 of 1,614,230 alleles (0.039%); highest among the groups gnomAD compares: East Asian, 1.3%; 6 homozygotes.

Submissions (2):

Labcorp Genetics (formerly Invitae), Labcorp
Classification: Likely benign. Last evaluated: 2025-11-22. Review status: criteria provided, single submitter. Criteria: Invitae Variant Classification Sherloc (09022015). Collection method: clinical testing. Allele origin: germline.

Illumina Laboratory Services, Illumina
Classification: Likely benign for Farber lipogranulomatosis. Last evaluated: 2018-01-13. Review status: criteria provided, single submitter. Criteria: ICSL Variant Classification Criteria 13 December 2019. Collection method: clinical testing. Allele origin: germline.
Comment: This variant was observed in the ICSL laboratory as part of a predisposition screen in an ostensibly healthy population. It had not been previously curated by ICSL or reported in the Human Gene Mutation Database (HGMD: prior to June 1st, 2018), and was therefore a candidate for classification through an automated scoring system. Utilizing variant allele frequency, disease prevalence and penetrance estimates, and inheritance mode, an automated score was calculated to assess if this variant is too frequent to cause the disease. Based on the score and internal cut-off values, a variant classified as likely benign is not then subjected to further curation. The score for this variant resulted in a classification of likely benign for this disease.

NM_177924.5(ASAH1):c.910G>C (p.Val304Leu)

Gene: ASAH1 (N-acylsphingosine amidohydrolase 1; minus strand). Cytogenetic location: 8p22.
Variant type: single nucleotide variant.
Coding change: c.910G>C on transcript NM_177924.5 (MANE Select); coding-DNA position 910, G replaced by C.
Protein change: p.Val304Leu; replaces valine 304 with leucine.
Molecular consequence: missense variant.
Genome position (GRCh38, 1-based): chr8:18,059,579, C>G on the plus strand (G>C on the coding strand, the complement: ASAH1 is on the minus strand). VCF-style: chr8-18059579-C-G. GRCh37 (hg19) VCF-style: chr8-17917088-C-G.
Other names: c.892G>C, p.Val298Leu (NM_001127505.3); c.715G>C, p.Val239Leu (NM_001363743.2); c.958G>C, p.Val320Leu (NM_004315.6); short protein forms V304L, V320L, V239L, V298L.
Identifiers: ClinVar variation 362374 (VCV000362374.12), dbSNP rs78267388, ClinGen allele CA4650640.
Genomic context (GRCh38, chr8:18,059,579, plus strand): 5'-ATATCAGTGTATGCTTTTGTTTCTACTTCTTTTGCTTTAACAAACCTACTTACTCATATA[C>G]ATCCAATGATTCCTTTCTGTCTCGTGTAATCACACAACCTTCCCCAGACTGGTTGCCTCC-3'
Protein context (NP_808592.2, residues 294-314): ITRDRKESLD[Val304Leu]YELDAKQGRW